The following is an entry in ClinVar:

ClinVar aggregate classification (germline): Uncertain significance (1 of 4 stars; one submission).

Submission:

Dasa
Classification: Uncertain significance. Last evaluated: 2026-01-17. Review status: criteria provided, single submitter. Criteria: DASA Assertion Criteria. Collection method: clinical testing. Allele origin: germline.
Comment: NM_015335.5(MED13L):c.1124A>C (p.His375Pro) is a missense variant that results in the substitution of histidine with proline. This variant is absent from population databases. The currently available literature and clinical evidence are not sufficient to establish a definitive association between this variant and the reported condition. Therefore, this variant is classified as a variant of uncertain significance.

NM_015335.5(MED13L):c.1124A>C (p.His375Pro)

Gene: MED13L (mediator complex subunit 13L; minus strand). Cytogenetic location: 12q24.21.
Variant type: single nucleotide variant.
Coding change: c.1124A>C on transcript NM_015335.5 (MANE Select); coding-DNA position 1124, A replaced by C.
Protein change: p.His375Pro; replaces histidine 375 with proline.
Molecular consequence: missense variant.
Genome position (GRCh38, 1-based): chr12:116,015,160, T>G on the plus strand (A>C on the coding strand, the complement: MED13L is on the minus strand). VCF-style: chr12-116015160-T-G. GRCh37 (hg19) VCF-style: chr12-116452965-T-G.
Other names: short protein forms H375P.
Identifiers: ClinVar variation 5020727 (VCV005020727.1).